The following is an entry in ClinVar:

ClinVar aggregate classification (germline): Likely pathogenic (1 of 4 stars; one submission).

Submission:

Labcorp Genetics (formerly Invitae), Labcorp
Classification: Likely pathogenic. Last evaluated: 2024-12-08. Review status: criteria provided, single submitter. Criteria: Invitae Variant Classification Sherloc (09022015). Collection method: clinical testing. Allele origin: germline.
Comment: This sequence change creates a premature translational stop signal (p.Pro875Glnfs*11) in the SLC4A1 gene. While this is not anticipated to result in nonsense mediated decay, it is expected to disrupt the last 37 amino acid(s) of the SLC4A1 protein. This variant is not present in population databases (gnomAD no frequency). This variant has not been reported in the literature in individuals affected with SLC4A1-related conditions. This variant is located in a region of the SLC4A1 protein where a significant number SLC4A1 nonsense and frameshift mutations have been reported in association with autosomal dominant distal renal tubular acidosis (PMID: 9600966, 20960171, 31672324, 35738466). In summary, the currently available evidence indicates that the variant is pathogenic, but additional data are needed to prove that conclusively. Therefore, this variant has been classified as Likely Pathogenic.

Literature cited by the submitters: PubMed 9600966; PubMed 20960171; PubMed 31672324; PubMed 35738466.

NM_000342.4(SLC4A1):c.2622_2632del (p.Pro875fs)

Gene: SLC4A1 (solute carrier family 4 member 1 (Diego blood group); minus strand). Cytogenetic location: 17q21.31.
Variant type: Deletion.
Coding change: c.2622_2632del on transcript NM_000342.4 (MANE Select); coding-DNA positions 2622 to 2632, 11 bases deleted (GCCGCTCATCT).
Protein change: p.Pro875fs; shifts the reading frame from proline 875.
Molecular consequence: frameshift variant.
Genome position (GRCh38, 1-based): chr17:44,251,182-44,251,192, AGATGAGCGGC deleted on the plus strand (GCCGCTCATCT on the coding strand, the reverse complement: SLC4A1 is on the minus strand); deleting any 11 consecutive bases within chr17:44,251,182-44,251,194 gives the same sequence; the c. name uses the placement nearest the transcript's 3' end. VCF-style (leftmost placement, unchanged base first): chr17-44251181-AAGATGAGCGGC-A. GRCh37 (hg19) VCF-style: chr17-42328549-AAGATGAGCGGC-A.
Other names: short protein forms P875fs.
Identifiers: ClinVar variation 3726904 (VCV003726904.2).